The following is an entry in ClinVar:

ClinVar aggregate classification (germline): Pathogenic (1 of 4 stars; one submission).

Conditions:
Charcot-Marie-Tooth disease axonal type 2P. Also called: CHARCOT-MARIE-TOOTH NEUROPATHY, TYPE 2P; CHARCOT-MARIE-TOOTH DISEASE, AXONAL, TYPE 2G; CMT 2G; Charcot-Marie-Tooth Neuropathy Type 2G. Identifiers: Orphanet 300319, Orphanet 99941, MedGen C3280797, MONDO:0013753, OMIM 614436.

Submission:

Labcorp Genetics (formerly Invitae), Labcorp
Classification: Pathogenic for Charcot-Marie-Tooth disease axonal type 2P. Last evaluated: 2018-12-02. Review status: criteria provided, single submitter. Criteria: Invitae Variant Classification Sherloc (09022015). Collection method: clinical testing. Allele origin: germline.
Comment: This variant has not been reported in the literature in individuals with LRSAM1-related conditions. For these reasons, this variant has been classified as Pathogenic. This variant disrupts the C-terminus of the LRSAM1 protein. Other variant(s) that disrupt this region (p.Leu708Argfs*28) have been determined to be pathogenic (PMID: 26900582, 22012984, 28335037). This suggests that variants that disrupt this region of the protein are likely to be causative of disease. This variant is a sub-genic deletion of the genomic region encompassing exon 24 of the LRSAM1 gene. While this deletion is not anticipated to result in nonsense mediated decay, it is expected to create a truncated protein product.

Literature cited by the submitters: PubMed 26900582; PubMed 22012984; PubMed 28335037.

NC_000009.12:g.(?_127501000)_(127501153_?)del

Gene: LRSAM1 (leucine rich repeat and sterile alpha motif containing 1; plus strand). Cytogenetic location: 9q34.11.
Variant type: Deletion.
Identifiers: ClinVar variation 644828 (VCV000644828.7).